The following is an entry in ClinVar:

NM_002769.5(PRSS1):c.25T>A (p.Phe9Ile)

Genes: TRB (T cell receptor beta locus; plus strand), PRSS1 (serine protease 1; plus strand). Cytogenetic location: 7q34.
Variant type: single nucleotide variant.
Coding change: c.25T>A on transcript NM_002769.5 (MANE Select); coding-DNA position 25, T replaced by A.
Protein change: p.Phe9Ile; replaces phenylalanine 9 with isoleucine.
Molecular consequence: missense variant. On other transcripts: non-coding transcript variant (5).
Genome position (GRCh38, 1-based): chr7:142,749,509, T>A. VCF-style: chr7-142749509-T-A. GRCh37 (hg19) VCF-style: chr7-142457360-T-A.
Other names: short protein forms F9I.
Identifiers: ClinVar variation 3426294 (VCV003426294.1).
Genomic context (GRCh38, chr7:142,749,509, plus strand): 5'-GAGTCCTCCACCACCAGTCAGGCACACTCTACCACCATGAATCCACTCCTGATCCTTACC[T>A]TTGTGGCAGCTGCTCGTGAGTATCATGCCCTGCCTCAGGCCCCAACCACCCCCCCGTTCC-3'
Protein context (NP_002760.1, residues 1-19): MNPLLILT[Phe9Ile]VAAALAAPFD

ClinVar aggregate classification (germline): Uncertain significance (1 of 4 stars; one submission).

Conditions:
Hereditary pancreatitis (PCTT). Also called: Hereditary chronic pancreatitis; PRSS1-Related Hereditary Pancreatitis. Identifiers: Orphanet 676, MedGen C0238339, MONDO:0008185, OMIM 167800.

Submission:

Ambry Genetics
Classification: Uncertain significance for Hereditary pancreatitis. Last evaluated: 2024-11-24. Review status: criteria provided, single submitter. Criteria: Ambry Variant Classification Scheme 2023. Collection method: clinical testing. Allele origin: germline.
Comment: The p.F9I variant (also known as c.25T>A), located in coding exon 1 of the PRSS1 gene, results from a T to A substitution at nucleotide position 25. The phenylalanine at codon 9 is replaced by isoleucine, an amino acid with highly similar properties. This amino acid position is conserved. In addition, this alteration is predicted to be tolerated by in silico analysis. Based on the available evidence, the clinical significance of this variant remains unclear.